The following is an entry in ClinVar:

ClinVar aggregate classification (germline): Uncertain significance (1 of 4 stars; one submission).

Submission:

Ambry Genetics
Classification: Uncertain significance. Last evaluated: 2026-05-27. Review status: criteria provided, single submitter. Criteria: Ambry Variant Classification Scheme 2023. Collection method: clinical testing. Allele origin: germline.
Comment: The c.229G>A (p.G77S) alteration is located in exon 1 (coding exon 1) of the FOXD4L5 gene. This alteration results from a G to A substitution at nucleotide position 229, causing the glycine (G) at amino acid position 77 to be replaced by a serine (S). Based on data from gnomAD, the A allele has an overall frequency of 0.001% (3/228916) total alleles studied. The highest observed frequency was 0.013% (2/15716) of East Asian alleles. Based on insufficient or conflicting evidence, the clinical significance of this alteration remains unclear.

NM_001126334.1(FOXD4L5):c.229G>A (p.Gly77Ser)

Gene: FOXD4L5 (forkhead box D4 like 5; minus strand). Cytogenetic location: 9q21.11.
Variant type: single nucleotide variant.
Coding change: c.229G>A on transcript NM_001126334.1 (MANE Select); coding-DNA position 229, G replaced by A.
Protein change: p.Gly77Ser; replaces glycine 77 with serine.
Molecular consequence: missense variant.
Genome position (GRCh38, 1-based): chr9:65,284,149, C>T on the plus strand (G>A on the coding strand, the complement: FOXD4L5 is on the minus strand). VCF-style: chr9-65284149-C-T. GRCh37 (hg19) VCF-style: chr9-70177755-C-T.
Other names: short protein forms G77S.
Identifiers: ClinVar variation 4871509 (VCV004871509.1).
Genomic context (GRCh38, chr9:65,284,149, plus strand): 5'-CAGACCTTGGCGGTGCCCTGAACTTGGTGCCAAACTCTGAGGGGTCACTCGGGCCGCCGC[C>T]GCCCTCGATGTGCTCTCGGGGAAGCGCAACCCCGCCCCACCGGGCCACCTGCAGCCCCGG-3'
Protein context (NP_001119806.1, residues 67-87): VALPREHIEG[Gly77Ser]GGPSDPSEFG